The following is an entry in ClinVar:

NM_024649.5(BBS1):c.889C>T (p.Arg297Trp)

Genes: BBS1 (Bardet-Biedl syndrome 1; plus strand), ZDHHC24 (zDHHC palmitoyltransferase 24; minus strand). Cytogenetic location: 11q13.2.
Variant type: single nucleotide variant.
Coding change: c.889C>T on transcript NM_024649.5 (MANE Select); coding-DNA position 889, C replaced by T.
Protein change: p.Arg297Trp; replaces arginine 297 with tryptophan.
Molecular consequence: missense variant. On other transcripts: intron variant (1).
Genome position (GRCh38, 1-based): chr11:66,523,514, C>T. VCF-style: chr11-66523514-C-T. GRCh37 (hg19) VCF-style: chr11-66290985-C-T.
Other names: c.*22-2048G>A (NM_001348571.2); c.889C>T (NM_024649.4); short protein forms R297W.
Identifiers: ClinVar variation 2181310 (VCV002181310.4), dbSNP rs762566248, ClinGen allele CA6123542.

ClinVar aggregate classification (germline): Conflicting classifications of pathogenicity. Review status: criteria provided, conflicting classifications (1 of 4 stars). 4 submissions from 4 submitters: Likely pathogenic (1); Uncertain significance (3). Last evaluated 2025-10-01.

Conditions:
BBS1-related disorder. Also called: BBS1-related condition.
Bardet-Biedl syndrome 1 (BBS1). Identifiers: MedGen C2936862, MONDO:0008854, OMIM 209900. Disease mechanism: loss of function.
Bardet-Biedl syndrome (BBS). Identifiers: Orphanet 110, MedGen C0752166, MONDO:0015229.

Allele frequency attached by ClinVar (database versions not stated): ExAC 0.00002; TOPMed 0.00001; gnomAD exomes 0.00003.
gnomAD v4.1: 49 of 1,614,082 alleles (0.003%); highest among the groups gnomAD compares: Middle Eastern, 0.016%; no homozygotes.

Submissions (4):

Labcorp Genetics (formerly Invitae), Labcorp
Classification: Likely pathogenic for Bardet-Biedl syndrome. Last evaluated: 2025-10-01. Review status: criteria provided, single submitter. Criteria: Invitae Variant Classification Sherloc (09022015). Collection method: clinical testing. Allele origin: germline.
Comment: This sequence change replaces arginine, which is basic and polar, with tryptophan, which is neutral and slightly polar, at codon 297 of the BBS1 protein (p.Arg297Trp). This variant is present in population databases (rs762566248, gnomAD 0.006%). This variant has not been reported in the literature in individuals affected with BBS1-related conditions. ClinVar contains an entry for this variant (Variation ID: 2181310). Invitae Evidence Modeling of protein sequence and biophysical properties (such as structural, functional, and spatial information, amino acid conservation, physicochemical variation, residue mobility, and thermodynamic stability) indicates that this missense variant is expected to disrupt BBS1 protein function with a positive predictive value of 95%. This variant disrupts the p.Arg297 amino acid residue in BBS1. Other variant(s) that disrupt this residue have been determined to be pathogenic (PMID: 25170860, 35886001; internal data). This suggests that this residue is clinically significant, and that variants that disrupt this residue are likely to be disease-causing. In summary, the currently available evidence indicates that the variant is pathogenic, but additional data are needed to prove that conclusively. Therefore, this variant has been classified as Likely Pathogenic.

PreventionGenetics, part of Exact Sciences
Classification: Uncertain significance for BBS1-related condition. Last evaluated: 2025-09-23. Review status: criteria provided, single submitter. Criteria: ACMG Guidelines, 2015. Collection method: clinical testing. Allele origin: germline.
Comment: The BBS1 c.889C>T variant is predicted to result in the amino acid substitution p.Arg297Trp. To our knowledge, this variant has not been reported in the literature. This variant is reported in 0.0065% of alleles in individuals of South Asian descent in gnomAD. At this time, the clinical significance of this variant is uncertain due to the absence of conclusive functional and genetic evidence.

Blueprint Genetics
Classification: Uncertain significance. Last evaluated: 2024-10-08. Review status: criteria provided, single submitter. Criteria: ACMG Guidelines, 2015. Collection method: clinical testing. Allele origin: germline.

Fulgent Genetics
Classification: Uncertain significance for Bardet-Biedl syndrome 1. Last evaluated: 2024-05-29. Review status: criteria provided, single submitter. Criteria: ACMG Guidelines, 2015. Collection method: clinical testing. Allele origin: germline.

Literature cited by the submitters: PubMed 25170860 (cited by Labcorp Genetics (formerly Invitae), Labcorp); PubMed 35886001 (cited by Labcorp Genetics (formerly Invitae), Labcorp).